The following is an entry in ClinVar:

NM_000278.5(PAX2):c.331G>C (p.Ala111Pro)

Gene: PAX2 (paired box 2; plus strand). Cytogenetic location: 10q24.31.
Variant type: single nucleotide variant.
Coding change: c.331G>C on transcript NM_000278.5 (MANE Select); coding-DNA position 331, G replaced by C.
Protein change: p.Ala111Pro; replaces alanine 111 with proline.
Molecular consequence: missense variant.
Genome position (GRCh38, 1-based): chr10:100,750,812, G>C. VCF-style: chr10-100750812-G-C. GRCh37 (hg19) VCF-style: chr10-102510569-G-C.
Other names: c.424G>C, p.Ala142Pro (NM_001304569.2); c.331G>C, p.Ala111Pro (NM_003987.5, NM_003988.5, NM_003989.5 and 1 more transcripts); short protein forms A111P, A142P.
Identifiers: ClinVar variation 5041577 (VCV005041577.1).

ClinVar aggregate classification (germline): Likely pathogenic (1 of 4 stars; one submission).

Submission:

CeGaT Center for Human Genetics Tuebingen
Classification: Likely pathogenic. Last evaluated: 2026-09-01. Review status: criteria provided, single submitter. Criteria: CeGaT Center For Human Genetics Tuebingen Variant Classification Criteria Version 2. Collection method: clinical testing. Allele origin: germline. Affected: yes. Observed: 1 variant allele.
Comment: PAX2: PM2, PM5, PP2, PP3